The following is an entry in ClinVar:

NM_006059.4(LAMC3):c.3250G>A (p.Glu1084Lys)

Gene: LAMC3 (laminin subunit gamma 3; plus strand). Cytogenetic location: 9q34.12.
Variant type: single nucleotide variant.
Coding change: c.3250G>A on transcript NM_006059.4 (MANE Select); coding-DNA position 3250, G replaced by A.
Protein change: p.Glu1084Lys; replaces glutamic acid 1084 with lysine.
Molecular consequence: missense variant.
Genome position (GRCh38, 1-based): chr9:131,072,668, G>A. VCF-style: chr9-131072668-G-A. GRCh37 (hg19) VCF-style: chr9-133948055-G-A.
Other names: c.3250G>A (NM_006059.3); short protein forms E1084K.
Identifiers: ClinVar variation 1501376 (VCV001501376.6), dbSNP rs146221263, ClinGen allele CA5287734.

ClinVar aggregate classification (germline): Uncertain significance. Review status: criteria provided, multiple submitters, no conflicts (2 of 4 stars). 2 submissions from 2 submitters: Uncertain significance (2). Last evaluated 2024-10-24.

Conditions:
Inborn genetic diseases. Identifiers: MedGen C0950123, MeSH D030342.

gnomAD v4.1: 75 of 1,611,278 alleles (0.0047%); highest among the groups gnomAD compares: Non-Finnish European, 0.0058%; no homozygotes.

Submissions (2):

Labcorp Genetics (formerly Invitae), Labcorp
Classification: Uncertain significance. Last evaluated: 2024-10-24. Review status: criteria provided, single submitter. Criteria: Invitae Variant Classification Sherloc (09022015). Collection method: clinical testing. Allele origin: germline.
Comment: This sequence change replaces glutamic acid, which is acidic and polar, with lysine, which is basic and polar, at codon 1084 of the LAMC3 protein (p.Glu1084Lys). This variant is present in population databases (rs146221263, gnomAD 0.006%). This variant has not been reported in the literature in individuals affected with LAMC3-related conditions. ClinVar contains an entry for this variant (Variation ID: 1501376). An algorithm developed to predict the effect of missense changes on protein structure and function outputs the following: PolyPhen-2: "Benign". The lysine amino acid residue is found in multiple mammalian species, which suggests that this missense change does not adversely affect protein function. In summary, the available evidence is currently insufficient to determine the role of this variant in disease. Therefore, it has been classified as a Variant of Uncertain Significance.

Ambry Genetics
Classification: Uncertain significance for Inborn genetic diseases. Last evaluated: 2023-06-06. Review status: criteria provided, single submitter. Criteria: Ambry Variant Classification Scheme 2023. Collection method: clinical testing. Allele origin: germline.